The following is an entry in ClinVar:

NM_004006.3(DMD):c.9891C>T (p.Val3297=)

Gene: DMD (dystrophin; minus strand). Cytogenetic location: Xp21.2.
Variant type: single nucleotide variant.
Coding change: c.9891C>T on transcript NM_004006.3 (MANE Select); coding-DNA position 9891, C replaced by T.
Protein change: p.Val3297=; no amino-acid change (valine 3297 retained).
Molecular consequence: synonymous variant.
Genome position (GRCh38, 1-based): chrX:31,182,821, G>A on the plus strand (C>T on the coding strand, the complement: DMD is on the minus strand). VCF-style: chrX-31182821-G-A. GRCh37 (hg19) VCF-style: chrX-31200938-G-A.
Other names: c.9867C>T, p.Val3289= (NM_000109.4); c.9879C>T, p.Val3293= (NM_004009.3); c.9522C>T, p.Val3174= (NM_004010.3); c.5868C>T, p.Val1956= (NM_004011.4); c.5859C>T, p.Val1953= (NM_004012.4); c.2511C>T, p.Val837= (NM_004013.3, NM_004020.4, NM_004021.3 and 2 more transcripts); c.1704C>T, p.Val568= (NM_004014.3); c.687C>T, p.Val229= (NM_004015.3, NM_004016.3, NM_004017.3 and 2 more transcripts).
Identifiers: ClinVar variation 4689729 (VCV004689729.2).
Genomic context (GRCh38, chrX:31,182,821, plus strand): 5'-TTTGCAGATGTTACATTTGGCCTGATGCTTGGCAGTTTCTGCAGCAGCCACTCTGTGCAG[G>A]ACGGGCAGCCACACCATGGACTGGGGTTCCAGTCTCATCCAGTCTAGGAAGAGGGCCGCT-3'
Protein context (NP_003997.2, residues 3287-3307): LEPQSMVWLP[Val3297=]LHRVAAAETA

ClinVar aggregate classification (germline): Likely benign. Review status: criteria provided, multiple submitters, no conflicts (2 of 4 stars). 2 submissions from 2 submitters: Likely benign (2). Last evaluated 2026-01-26.

Conditions:
Duchenne muscular dystrophy (DMD). Also called: MUSCULAR DYSTROPHY, PSEUDOHYPERTROPHIC PROGRESSIVE, DUCHENNE TYPE; Duchenne Muscular Dystrophy (DMD). Identifiers: Orphanet 98896, MedGen C0013264, MONDO:0010679, OMIM 310200.

Submissions (2):

Women's Health and Genetics/Laboratory Corporation of America, LabCorp
Classification: Likely benign. Last evaluated: 2026-01-26. Review status: criteria provided, single submitter. Criteria: LabCorp Variant Classification Summary - May 2015. Collection method: clinical testing. Allele origin: germline.
Comment: Variant summary: DMD c.9891C>T alters a conserved nucleotide resulting in a synonymous change. Consensus agreement among computation tools predict no significant impact on normal splicing. However, these predictions have yet to be confirmed by functional studies. The variant was absent in 182887 control chromosomes. The available data on variant occurrences in the general population are insufficient to allow any conclusion about variant significance. To our knowledge, no occurrence of c.9891C>T in individuals affected with DMD-related conditions and no experimental evidence demonstrating its impact on protein function have been reported. No submitters have cited clinical-significance assessments for this variant to ClinVar. Based on the evidence outlined above, the variant was classified as likely benign.

Labcorp Genetics (formerly Invitae), Labcorp
Classification: Likely benign for Duchenne muscular dystrophy. Last evaluated: 2025-03-16. Review status: criteria provided, single submitter. Criteria: Invitae Variant Classification Sherloc (09022015). Collection method: clinical testing. Allele origin: germline.